The following is an entry in ClinVar:

ClinVar aggregate classification (germline): Pathogenic (1 of 4 stars; one submission).

Submission:

Labcorp Genetics (formerly Invitae), Labcorp
Classification: Pathogenic. Last evaluated: 2022-01-31. Review status: criteria provided, single submitter. Criteria: Invitae Variant Classification Sherloc (09022015). Collection method: clinical testing. Allele origin: germline.
Comment: For these reasons, this variant has been classified as Pathogenic. Algorithms developed to predict the effect of sequence changes on RNA splicing suggest that this variant may create or strengthen a splice site. This variant has not been reported in the literature in individuals affected with YARS2-related conditions. This variant is not present in population databases (gnomAD no frequency). This sequence change creates a premature translational stop signal (p.Tyr177*) in the YARS2 gene. It is expected to result in an absent or disrupted protein product. Loss-of-function variants in YARS2 are known to be pathogenic (PMID: 20598274, 24344687, 25638461).

Literature cited by the submitters: PubMed 20598274; PubMed 24344687; PubMed 25638461.

NM_001040436.3(YARS2):c.530dup (p.Tyr177Ter)

Gene: YARS2 (tyrosyl-tRNA synthetase 2; minus strand). Cytogenetic location: 12p11.21.
Variant type: Duplication.
Coding change: c.530dup on transcript NM_001040436.3 (MANE Select); coding-DNA position 530, one base duplicated (A; older notation c.530dupA).
Protein change: p.Tyr177Ter; replaces tyrosine 177 with a stop codon.
Molecular consequence: nonsense.
Genome position (GRCh38, 1-based): chr12:32,755,345, T duplicated on the plus strand (A on the coding strand, the reverse complement: YARS2 is on the minus strand). VCF-style (leftmost placement, unchanged base first): chr12-32755344-G-GT. GRCh37 (hg19) VCF-style: chr12-32908278-G-GT.
Other names: short protein forms Y177*.
Identifiers: ClinVar variation 2090877 (VCV002090877.4), dbSNP rs2541163589, ClinGen allele CA2580085435.